The following is an entry in ClinVar:

NM_173598.6(KSR2):c.134G>C (p.Cys45Ser)

Gene: KSR2 (kinase suppressor of ras 2; minus strand). Cytogenetic location: 12q24.23.
Variant type: single nucleotide variant.
Coding change: c.134G>C on transcript NM_173598.6 (MANE Select); coding-DNA position 134, G replaced by C.
Protein change: p.Cys45Ser; replaces cysteine 45 with serine.
Molecular consequence: missense variant.
Genome position (GRCh38, 1-based): chr12:117,968,122, C>G on the plus strand (G>C on the coding strand, the complement: KSR2 is on the minus strand). VCF-style: chr12-117968122-C-G. GRCh37 (hg19) VCF-style: chr12-118405927-C-G.
Other names: short protein forms C45S.
Identifiers: ClinVar variation 4991347 (VCV004991347.1).

ClinVar aggregate classification (germline): Uncertain significance (1 of 4 stars; one submission).

Conditions:
KSR2-related disorder. Also called: KSR2-related condition.

Submission:

PreventionGenetics, part of Exact Sciences
Classification: Uncertain significance for KSR2-related condition. Last evaluated: 2026-08-05. Review status: criteria provided, single submitter. Criteria: ACMG Guidelines, 2015. Collection method: clinical testing. Allele origin: germline.
Comment: The KSR2 c.47G>C variant is predicted to result in the amino acid substitution p.Cys16Ser. To our knowledge, this variant has not been reported in the literature or in a large population database (gnomAD), indicating this variant is rare. At this time, the clinical significance of this variant is uncertain due to the absence of conclusive functional and genetic evidence.